The following is an entry in ClinVar:

ClinVar aggregate classification (germline): Uncertain significance (1 of 4 stars; one submission).

gnomAD v4.1: 5 of 1,577,550 alleles (0.00032%); highest among the groups gnomAD compares: Non-Finnish European, 0.00043%; no homozygotes.

Submission:

Labcorp Genetics (formerly Invitae), Labcorp
Classification: Uncertain significance. Last evaluated: 2022-12-30. Review status: criteria provided, single submitter. Criteria: Invitae Variant Classification Sherloc (09022015). Collection method: clinical testing. Allele origin: germline.
Comment: In summary, the available evidence is currently insufficient to determine the role of this variant in disease. Therefore, it has been classified as a Variant of Uncertain Significance. Algorithms developed to predict the effect of missense changes on protein structure and function (SIFT, PolyPhen-2, Align-GVGD) all suggest that this variant is likely to be disruptive. This variant has not been reported in the literature in individuals affected with CEP152-related conditions. This variant is not present in population databases (gnomAD no frequency). This sequence change replaces histidine, which is basic and polar, with proline, which is neutral and non-polar, at codon 986 of the CEP152 protein (p.His986Pro).

NM_001194998.2(CEP152):c.2957A>C (p.His986Pro)

Gene: CEP152 (centrosomal protein 152; minus strand). Cytogenetic location: 15q21.1.
Variant type: single nucleotide variant.
Coding change: c.2957A>C on transcript NM_001194998.2 (MANE Select); coding-DNA position 2957, A replaced by C.
Protein change: p.His986Pro; replaces histidine 986 with proline.
Molecular consequence: missense variant.
Genome position (GRCh38, 1-based): chr15:48,756,291, T>G on the plus strand (A>C on the coding strand, the complement: CEP152 is on the minus strand). VCF-style: chr15-48756291-T-G. GRCh37 (hg19) VCF-style: chr15-49048488-T-G.
Other names: c.2957A>C, p.His986Pro (NM_014985.4); short protein forms H986P.
Identifiers: ClinVar variation 2791255 (VCV002791255.3), dbSNP rs2140669645, ClinGen allele CA392343042.
Genomic context (GRCh38, chr15:48,756,291, plus strand): 5'-GTTTTTTGTTTCATAAAGTCTTCTTTAGCTGCCGCAAGCACCTCATTAATTTTATTTCGG[T>G]GATCATCTAAAAATTGCCGGTAATCTTGCTCATTTTGTTCTTGGATTCTGTGGATTTCTT-3'
Protein context (NP_001181927.1, residues 976-996): EQDYRQFLDD[His986Pro]RNKINEVLAA